The following is an entry in ClinVar:

ClinVar aggregate classification (germline): Uncertain significance. Review status: criteria provided, multiple submitters, no conflicts (2 of 4 stars). 3 submissions from 3 submitters: Uncertain significance (2). 1 of the submissions does not count toward it. Last evaluated 2024-03-06.

Conditions:
Hereditary cancer-predisposing syndrome. Also called: Tumor predisposition; Neoplastic Syndromes, Hereditary; Hereditary Cancer Syndrome; Hereditary neoplastic syndrome. Identifiers: Orphanet 140162, MedGen C0027672, MeSH D009386, MONDO:0015356.
Ataxia-telangiectasia syndrome (AT). Also called: Cerebello-oculocutaneous telangiectasia; Immunodeficiency with ataxia telangiectasia; ATAXIA-TELANGIECTASIA, COMPLEMENTATION GROUP A; Ataxia-telangiectasia, complementation group D; AT, COMPLEMENTATION GROUP C; ATAXIA-TELANGIECTASIA, FRESNO VARIANT. Identifiers: Orphanet 100, MedGen C0004135, MONDO:0008840, OMIM 208900.

Submissions (3):

Color Diagnostics, LLC DBA Color Health
Classification: Uncertain significance for Hereditary cancer-predisposing syndrome. Last evaluated: 2024-03-06. Review status: criteria provided, single submitter. Criteria: ACMG Guidelines, 2015. Collection method: clinical testing. Allele origin: germline.
Comment: This missense variant replaces alanine with glycine at codon 188 of the ATM protein. Computational prediction suggests that this variant may not impact protein structure and function (internally defined REVEL score threshold <= 0.5, PMID: 27666373). To our knowledge, functional studies have not been reported for this variant. This variant has not been reported in individuals affected with hereditary cancer in the literature. This variant has not been identified in the general population by the Genome Aggregation Database (gnomAD). The available evidence is insufficient to determine the role of this variant in disease conclusively. Therefore, this variant is classified as a Variant of Uncertain Significance.

Ambry Genetics
Classification: Uncertain significance for Hereditary cancer-predisposing syndrome. Last evaluated: 2017-01-17. Review status: criteria provided, single submitter. Criteria: Ambry Variant Classification Scheme 2023. Collection method: clinical testing. Allele origin: germline.
Comment: The p.A188G variant (also known as c.563C>G), located in coding exon 5 of the ATM gene, results from a C to G substitution at nucleotide position 563. The alanine at codon 188 is replaced by glycine, an amino acid with similar properties. This amino acid position is well conserved in available vertebrate species. In addition, this alteration is predicted to be tolerated by in silico analysis. Since supporting evidence is limited at this time, the clinical significance of this alteration remains unclear.

Natera, Inc.
Classification: Uncertain significance for Ataxia-telangiectasia. Last evaluated: 2021-03-16. Review status: no assertion criteria provided. Collection method: clinical testing. Allele origin: germline. Not counted in ClinVar's aggregate classification.

NM_000051.4(ATM):c.563C>G (p.Ala188Gly)

Gene: ATM (ATM serine/threonine kinase; plus strand). Cytogenetic location: 11q22.3.
Variant type: single nucleotide variant.
Coding change: c.563C>G on transcript NM_000051.4 (MANE Select); coding-DNA position 563, C replaced by G.
Protein change: p.Ala188Gly; replaces alanine 188 with glycine.
Molecular consequence: missense variant.
Genome position (GRCh38, 1-based): chr11:108,244,019, C>G. VCF-style: chr11-108244019-C-G. GRCh37 (hg19) VCF-style: chr11-108114746-C-G.
Other names: c.563C>G, p.Ala188Gly (NM_001351834.2); short protein forms A188G.
Identifiers: ClinVar variation 479071 (VCV000479071.10), dbSNP rs1555066393, ClinGen allele CA382527784.